The following is an entry in ClinVar:

ClinVar aggregate classification (germline): Uncertain significance (1 of 4 stars; one submission).

Submission:

GeneDx
Classification: Uncertain significance. Last evaluated: 2022-11-09. Review status: criteria provided, single submitter. Criteria: GeneDx Variant Classification Process June 2021. Collection method: clinical testing. Allele origin: germline. Affected: yes.
Comment: Not observed at significant frequency in large population cohorts (gnomAD); In silico analysis supports that this variant does not alter protein structure/function; Has not been previously published as pathogenic or benign to our knowledge

NM_006361.6(HOXB13):c.178_179delinsTT (p.Pro60Leu)

Gene: HOXB13 (homeobox B13; minus strand). Cytogenetic location: 17q21.32.
Variant type: Indel.
Coding change: c.178_179delinsTT on transcript NM_006361.6 (MANE Select); coding-DNA positions 178 to 179, CC replaced by TT.
Protein change: p.Pro60Leu; replaces proline 60 with leucine.
Molecular consequence: missense variant.
Genome position (GRCh38, 1-based): chr17:48,728,415-48,728,416, GG replaced by AA on the plus strand (CC replaced by TT on the coding strand, the reverse complement: HOXB13 is on the minus strand). VCF-style: chr17-48728415-GG-AA. GRCh37 (hg19) VCF-style: chr17-46805777-GG-AA.
Other names: c.178_179delCCinsTT, p.Pro60Leu (NM_006361.5); short protein forms P60L.
Identifiers: ClinVar variation 2502014 (VCV002502014.1), dbSNP rs2509515826, ClinGen allele CA2580613158.
Genomic context (GRCh38, chr17:48,728,415, plus strand): 5'-TAAGGCACGGGAGCTGGGGACGTCCCCTGGGGCACCCCAGGGCATGGGTGGCATTGCTTT[GG>AA]CGGCTCCGCCGAGCCTGGCAGATCCAAGGGGGCATAGTTGACAGCAGGCATCAGCGTAGG-3'
Protein context (NP_006352.2, residues 50-70): PLDLPGSAEP[Pro60Leu]KQCHPCPGVP